The following is an entry in ClinVar:

NM_003803.4(MYOM1):c.164G>C (p.Arg55Pro)

Gene: MYOM1 (myomesin 1; minus strand). Cytogenetic location: 18p11.31.
Variant type: single nucleotide variant.
Coding change: c.164G>C on transcript NM_003803.4 (MANE Select); coding-DNA position 164, G replaced by C.
Protein change: p.Arg55Pro; replaces arginine 55 with proline.
Molecular consequence: missense variant.
Genome position (GRCh38, 1-based): chr18:3,215,060, C>G on the plus strand (G>C on the coding strand, the complement: MYOM1 is on the minus strand). VCF-style: chr18-3215060-C-G. GRCh37 (hg19) VCF-style: chr18-3215058-C-G.
Other names: c.164G>C, p.Arg55Pro (NM_019856.2); short protein forms R55P.
Identifiers: ClinVar variation 5025285 (VCV005025285.1).
Genomic context (GRCh38, chr18:3,215,060, plus strand): 5'-TGCGAGGCCTGCTGCTGGGAGGAGGAGGCGGACGCCCGACGGAAGGCCTCGGACTCCCGG[C>G]GGTGCGCGGCGGAGGAGCGGCTGCTGTAGGCCGTGGAGCCCTGGGTGTAGACGGCGGAGC-3'
Protein context (NP_003794.3, residues 45-65): AYSSRSSAAH[Arg55Pro]RESEAFRRAS

ClinVar aggregate classification (germline): Uncertain significance (1 of 4 stars; one submission).

gnomAD v4.1: 1 of 1,613,378 alleles (0.000062%); highest among the groups gnomAD compares: Non-Finnish European, 0.000085%; no homozygotes.

Submission:

Ambry Genetics
Classification: Uncertain significance. Last evaluated: 2026-08-29. Review status: criteria provided, single submitter. Criteria: Ambry Variant Classification Scheme 2023. Collection method: clinical testing. Allele origin: germline.
Comment: The p.R55P variant (also known as c.164G>C), located in coding exon 1 of the MYOM1 gene, results from a G to C substitution at nucleotide position 164. The arginine at codon 55 is replaced by proline, an amino acid with dissimilar properties. This amino acid position is conserved. In addition, the in silico prediction for this alteration is inconclusive. Based on the available evidence, the clinical significance of this variant remains unclear.